The following is an entry in ClinVar:

NM_001077525.3(MTMR14):c.1386T>C (p.Tyr462=)

Gene: MTMR14 (myotubularin related protein 14; plus strand). Cytogenetic location: 3p25.3.
Variant type: single nucleotide variant.
Coding change: c.1386T>C on transcript NM_001077525.3 (MANE Select); coding-DNA position 1386, T replaced by C.
Protein change: p.Tyr462=; no amino-acid change (tyrosine 462 retained).
Molecular consequence: synonymous variant.
Genome position (GRCh38, 1-based): chr3:9,689,035, T>C. VCF-style: chr3-9689035-T-C. GRCh37 (hg19) VCF-style: chr3-9730719-T-C.
Other names: c.1386T>C, p.Tyr462= (NM_001077526.3, NM_022485.5).
Identifiers: ClinVar variation 701957 (VCV000701957.38), dbSNP rs148229439, ClinGen allele CA2240744.

ClinVar aggregate classification (germline): Benign. Review status: criteria provided, multiple submitters, no conflicts (2 of 4 stars). 3 submissions from 3 submitters: Benign (3). Last evaluated 2026-10-01.

Allele frequency attached by ClinVar (database versions not stated): 1000 Genomes Project 30x 0.00250; 1000 Genomes Project 0.00260; ExAC 0.00544; gnomAD exomes 0.00566 and 0.00966; TOPMed 0.00631; gnomAD 0.00642 and 0.00665; ESP Exome Variant Server 0.00805.
gnomAD v4.1: 15,006 of 1,613,824 alleles (0.93%); highest among the groups gnomAD compares: Non-Finnish European, 1.1%; 98 homozygotes.

Submissions (3):

CeGaT Center for Human Genetics Tuebingen
Classification: Benign. Last evaluated: 2026-10-01. Review status: criteria provided, single submitter. Criteria: CeGaT Center For Human Genetics Tuebingen Variant Classification Criteria Version 2. Collection method: clinical testing. Allele origin: germline. Affected: yes. Observed: 14 variant alleles.
Comment: MTMR14: BP4, BP7, BS1, BS2

Labcorp Genetics (formerly Invitae), Labcorp
Classification: Benign. Last evaluated: 2026-01-27. Review status: criteria provided, single submitter. Criteria: Invitae Variant Classification Sherloc (09022015). Collection method: clinical testing. Allele origin: germline.

Breakthrough Genomics
Classification: Benign. Review status: criteria provided, single submitter. Criteria: ACMG Guidelines, 2015. Collection method: not provided. Allele origin: germline. Inheritance: Autosomal dominant inheritance. Affected: yes.